The following is an entry in ClinVar:

NM_005631.5(SMO):c.160G>A (p.Val54Met)

Genes: SMO (smoothened, frizzled class receptor; plus strand), LOC129999303 (ATAC-STARR-seq lymphoblastoid silent region 18626; plus strand). Cytogenetic location: 7q32.1.
Variant type: single nucleotide variant.
Coding change: c.160G>A on transcript NM_005631.5 (MANE Select); coding-DNA position 160, G replaced by A.
Protein change: p.Val54Met; replaces valine 54 with methionine.
Molecular consequence: missense variant.
Genome position (GRCh38, 1-based): chr7:129,189,311, G>A. VCF-style: chr7-129189311-G-A. GRCh37 (hg19) VCF-style: chr7-128829152-G-A.
Other names: c.160G>A (NM_005631.4); short protein forms V54M.
Identifiers: ClinVar variation 982248 (VCV000982248.5), dbSNP rs541359801, ClinGen allele CA4479062.

ClinVar aggregate classification (germline): Uncertain significance. Review status: criteria provided, multiple submitters, no conflicts (2 of 4 stars). 3 submissions from 3 submitters: Uncertain significance (3). Last evaluated 2020-08-19.

Allele frequency attached by ClinVar (database versions not stated): ExAC 0.00041; 1000 Genomes Project 30x 0.00047; gnomAD exomes 0.00055 and 0.00088; TOPMed 0.00059; gnomAD 0.00061.
gnomAD v4.1: 1,267 of 1,483,176 alleles (0.085%); highest among the groups gnomAD compares: Middle Eastern, 0.21%; 2 homozygotes.

Submissions (3):

St. Jude Molecular Pathology, St. Jude Children's Research Hospital
Classification: Uncertain significance. Last evaluated: 2020-08-19. Review status: criteria provided, single submitter. Criteria: St. Jude Assertion Criteria 2020. Collection method: clinical testing. Allele origin: germline.

GeneDx
Classification: Uncertain significance. Last evaluated: 2019-06-14. Review status: criteria provided, single submitter. Criteria: GeneDx Variant Classification Process June 2021. Collection method: clinical testing. Allele origin: germline. Affected: yes.
Comment: In silico analysis, which includes protein predictors and evolutionary conservation, supports that this variant does not alter protein structure/function; This variant is associated with the following publications: (PMID: 27793025, 29533785, 28838384)

Breakthrough Genomics
Classification: Uncertain significance. Review status: criteria provided, single submitter. Criteria: ACMG Guidelines, 2015. Collection method: not provided. Allele origin: germline. Inheritance: Autosomal recessive inheritance. Affected: yes.